The following is an entry in ClinVar:

NM_015338.6(ASXL1):c.1939C>T (p.Pro647Ser)

Gene: ASXL1 (ASXL transcriptional regulator 1; plus strand). Cytogenetic location: 20q11.21.
Variant type: single nucleotide variant.
Coding change: c.1939C>T on transcript NM_015338.6 (MANE Select); coding-DNA position 1939, C replaced by T.
Protein change: p.Pro647Ser; replaces proline 647 with serine.
Molecular consequence: missense variant.
Genome position (GRCh38, 1-based): chr20:32,434,651, C>T. VCF-style: chr20-32434651-C-T. GRCh37 (hg19) VCF-style: chr20-31022454-C-T.
Other names: c.1756C>T, p.Pro586Ser (NM_001363734.1); short protein forms P647S, P586S.
Identifiers: ClinVar variation 3954863 (VCV003954863.1).

ClinVar aggregate classification (germline): Uncertain significance (1 of 4 stars; one submission).

Conditions:
Inborn genetic diseases. Identifiers: MedGen C0950123, MeSH D030342.

Submission:

Ambry Genetics
Classification: Uncertain significance for Inborn genetic diseases. Last evaluated: 2025-03-15. Review status: criteria provided, single submitter. Criteria: Ambry Variant Classification Scheme 2023. Collection method: clinical testing. Allele origin: germline.
Comment: The p.P647S variant (also known as c.1939C>T), located in coding exon 13 of the ASXL1 gene, results from a C to T substitution at nucleotide position 1939. The proline at codon 647 is replaced by serine, an amino acid with similar properties. This amino acid position is conserved. In addition, the in silico prediction for this alteration is inconclusive. Based on the available evidence, the clinical significance of this variant remains unclear.